The following is an entry in ClinVar:

ClinVar aggregate classification (germline): Benign (1 of 4 stars; one submission).

Conditions:
Holt-Oram syndrome (HOS). Also called: Ventriculo-radial syndrome; Cardiac-limb syndrome; Heart-hand syndrome, type 1; TBX5-Related Holt-Oram Syndrome. Identifiers: Orphanet 392, MedGen C0265264, MONDO:0007732, OMIM 142900.

Allele frequency attached by ClinVar (database versions not stated): 1000 Genomes Project 0.00040; gnomAD 0.00047 and 0.00048; gnomAD exomes 0.00065; 1000 Genomes Project 30x 0.00031; TOPMed 0.00049.
gnomAD v4.1: 258 of 436,496 alleles (0.059%); highest among the groups gnomAD compares: Middle Eastern, 0.22%; no homozygotes.

Submission:

Illumina Laboratory Services, Illumina
Classification: Benign for Holt-Oram syndrome. Last evaluated: 2018-01-13. Review status: criteria provided, single submitter. Criteria: ICSL Variant Classification Criteria 13 December 2019. Collection method: clinical testing. Allele origin: germline.
Comment: This variant was observed in the ICSL laboratory as part of a predisposition screen in an ostensibly healthy population. It had not been previously curated by ICSL or reported in the Human Gene Mutation Database (HGMD: prior to June 1st, 2018), and was therefore a candidate for classification through an automated scoring system. Utilizing variant allele frequency, disease prevalence and penetrance estimates, and inheritance mode, an automated score was calculated to assess if this variant is too frequent to cause the disease. Based on the score and internal cut-off values, a variant classified as benign is not then subjected to further curation. The score for this variant resulted in a classification of benign for this disease.

NM_181486.4(TBX5):c.*306C>T

Gene: TBX5 (T-box transcription factor 5; minus strand). Cytogenetic location: 12q24.21.
Variant type: single nucleotide variant.
Coding change: c.*306C>T on transcript NM_181486.4 (MANE Select); 306 bases downstream of the stop codon, C replaced by T.
Molecular consequence: 3 prime UTR variant.
Genome position (GRCh38, 1-based): chr12:114,355,226, G>A on the plus strand (C>T on the coding strand, the complement: TBX5 is on the minus strand). VCF-style: chr12-114355226-G-A. GRCh37 (hg19) VCF-style: chr12-114793031-G-A.
Other names: c.*306C>T (NM_000192.3, NM_080717.4).
Identifiers: ClinVar variation 307296 (VCV000307296.5), dbSNP rs571901755, ClinGen allele CA10632071.